The following is an entry in ClinVar:

ClinVar aggregate classification (germline): Likely benign. Review status: criteria provided, multiple submitters, no conflicts (2 of 4 stars). 2 submissions from 2 submitters: Likely benign (2). Last evaluated 2026-01-27.

Conditions:
UBR1-related disorder. Also called: UBR1-related condition.

Allele frequency attached by ClinVar (database versions not stated): TOPMed 0.00002; ExAC 0.00039; 1000 Genomes Project 0.00100; 1000 Genomes Project 30x 0.00109.
gnomAD v4.1: 269 of 1,613,032 alleles (0.017%); highest among the groups gnomAD compares: South Asian, 0.29%; 4 homozygotes.

Submissions (2):

Labcorp Genetics (formerly Invitae), Labcorp
Classification: Likely benign. Last evaluated: 2026-01-27. Review status: criteria provided, single submitter. Criteria: Invitae Variant Classification Sherloc (09022015). Collection method: clinical testing. Allele origin: germline.

PreventionGenetics, part of Exact Sciences
Classification: Likely benign for UBR1-related condition. Last evaluated: 2025-11-01. Review status: criteria provided, single submitter. Criteria: ACMG Guidelines, 2015. Collection method: clinical testing. Allele origin: germline.
Comment: This variant is classified as likely benign based on ACMG/AMP sequence variant interpretation guidelines (Richards et al. 2015 PMID: 25741868, with internal and published modifications).

NM_174916.3(UBR1):c.4165A>C (p.Ile1389Leu)

Gene: UBR1 (ubiquitin protein ligase E3 component n-recognin 1; minus strand). Cytogenetic location: 15q15.2.
Variant type: single nucleotide variant.
Coding change: c.4165A>C on transcript NM_174916.3 (MANE Select); coding-DNA position 4165, A replaced by C.
Protein change: p.Ile1389Leu; replaces isoleucine 1389 with leucine.
Molecular consequence: missense variant.
Genome position (GRCh38, 1-based): chr15:42,977,933, T>G on the plus strand (A>C on the coding strand, the complement: UBR1 is on the minus strand). VCF-style: chr15-42977933-T-G. GRCh37 (hg19) VCF-style: chr15-43270131-T-G.
Other names: short protein forms I1389L.
Identifiers: ClinVar variation 750626 (VCV000750626.10), dbSNP rs546603068, ClinGen allele CA7517958.
Genomic context (GRCh38, chr15:42,977,933, plus strand): 5'-CACTTACCAAAACATGAAACAGATCTATAGACAGAAGGCATGGTGTATCTTCTGATTTTA[T>G]GTTAGGAAGAACAACTAAAACAAACAAAAAGTTAATGTAATTCAGTCAGTAAGATAGCAG-3'
Protein context (NP_777576.1, residues 1379-1399): VRLLSVVLPN[Ile1389Leu]KSEDTPCLLS